The following is an entry in ClinVar:

NM_181882.3(PRX):c.2158C>T (p.Pro720Ser)

Gene: PRX (periaxin; minus strand). Cytogenetic location: 19q13.2.
Variant type: single nucleotide variant.
Coding change: c.2158C>T on transcript NM_181882.3 (MANE Select); coding-DNA position 2158, C replaced by T.
Protein change: p.Pro720Ser; replaces proline 720 with serine.
Molecular consequence: missense variant. On other transcripts: 3 prime UTR variant (1).
Genome position (GRCh38, 1-based): chr19:40,396,194, G>A on the plus strand (C>T on the coding strand, the complement: PRX is on the minus strand). VCF-style: chr19-40396194-G-A. GRCh37 (hg19) VCF-style: chr19-40902101-G-A.
Other names: c.*2363C>T (NM_020956.2); short protein forms P720S.
Identifiers: ClinVar variation 638857 (VCV000638857.9), dbSNP rs1599653417, ClinGen allele CA405896878.
Genomic context (GRCh38, chr19:40,396,194, plus strand): 5'-CATCGGGCACAGCCATCTCAGGCACCTTGGGGAGTTTTATCTCTGGGAGCTTCATGTCAG[G>A]GACTTTCATTTCACAGACTTTGGGCAGCTGCACCTCTGGGAGGTGCACATCGGGCACGGC-3'
Protein context (NP_870998.2, residues 710-730): QLPKVCEMKV[Pro720Ser]DMKLPEIKLP

ClinVar aggregate classification (germline): Uncertain significance. Review status: criteria provided, multiple submitters, no conflicts (2 of 4 stars). 2 submissions from 2 submitters: Uncertain significance (2). Last evaluated 2025-12-30.

Conditions:
PRX-related disorder. Also called: PRX-related condition; PRX-Related Disorders.
Charcot-Marie-Tooth disease type 4. Also called: Charcot-Marie-Tooth, Type 4; Charcot-Marie-Tooth disease, type IV. Identifiers: Orphanet 64749, MedGen C4082197, MONDO:0018995.

Allele frequency attached by ClinVar (database versions not stated): TOPMed below 0.00001.

Submissions (2):

PreventionGenetics, part of Exact Sciences
Classification: Uncertain significance for PRX-related condition. Last evaluated: 2025-12-30. Review status: criteria provided, single submitter. Criteria: ACMG Guidelines, 2015. Collection method: clinical testing. Allele origin: germline.
Comment: The PRX c.2158C>T variant is predicted to result in the amino acid substitution p.Pro720Ser. To our knowledge, this variant has not been reported in the literature or in a large population database (gnomAD), indicating this variant is rare. At this time, the clinical significance of this variant is uncertain due to the absence of conclusive functional and genetic evidence.

Labcorp Genetics (formerly Invitae), Labcorp
Classification: Uncertain significance for Charcot-Marie-Tooth disease type 4. Last evaluated: 2018-09-03. Review status: criteria provided, single submitter. Criteria: Invitae Variant Classification Sherloc (09022015). Collection method: clinical testing. Allele origin: germline.
Comment: This variant is not present in population databases (ExAC no frequency). Algorithms developed to predict the effect of missense changes on protein structure and function output the following: SIFT: "Tolerated"; PolyPhen-2: "Possibly Damaging"; Align-GVGD: "Class C0". The serine amino acid residue is found in multiple mammalian species, suggesting that this missense change does not adversely affect protein function. These predictions have not been confirmed by published functional studies and their clinical significance is uncertain. This variant has not been reported in the literature in individuals with PRX-related disease. This sequence change replaces proline with serine at codon 720 of the PRX protein (p.Pro720Ser). The proline residue is moderately conserved and there is a moderate physicochemical difference between proline and serine. In summary, the available evidence is currently insufficient to determine the role of this variant in disease. Therefore, it has been classified as a Variant of Uncertain Significance.